The following is an entry in ClinVar:

NM_001290043.2(TAP2):c.665A>G (p.Asn222Ser)

Genes: TAP2 (transporter 2, ATP binding cassette subfamily B member; minus strand), LOC107648851 (meiotic recombination hotspot TAP2; plus strand). Cytogenetic location: 6p21.32.
Variant type: single nucleotide variant.
Coding change: c.665A>G on transcript NM_001290043.2 (MANE Select); coding-DNA position 665, A replaced by G.
Protein change: p.Asn222Ser; replaces asparagine 222 with serine.
Molecular consequence: missense variant.
Genome position (GRCh38, 1-based): chr6:32,835,717, T>C on the plus strand (A>G on the coding strand, the complement: TAP2 is on the minus strand). VCF-style: chr6-32835717-T-C. GRCh37 (hg19) VCF-style: chr6-32803494-T-C.
Other names: c.665A>G, p.Asn222Ser (NM_000544.3, NM_018833.3); short protein forms N222S.
Identifiers: ClinVar variation 1524861 (VCV001524861.5), dbSNP rs1252311955, ClinGen allele CA363585274.

ClinVar aggregate classification (germline): Uncertain significance (1 of 4 stars; one submission).

Conditions:
MHC class I deficiency. Identifiers: Orphanet 34592, MedGen C6024714, MONDO:0011476.

Allele frequency attached by ClinVar (database versions not stated): gnomAD 0.00001; gnomAD exomes 0.00001.
gnomAD v4.1: 11 of 1,612,898 alleles (0.00068%); highest among the groups gnomAD compares: Middle Eastern, 0.016%; no homozygotes.

Submission:

Labcorp Genetics (formerly Invitae), Labcorp
Classification: Uncertain significance for MHC class I deficiency 1. Last evaluated: 2021-09-24. Review status: criteria provided, single submitter. Criteria: Invitae Variant Classification Sherloc (09022015). Collection method: clinical testing. Allele origin: germline.
Comment: This sequence change replaces asparagine with serine at codon 222 of the TAP2 protein (p.Asn222Ser). The asparagine residue is moderately conserved and there is a small physicochemical difference between asparagine and serine. This variant is not present in population databases (ExAC no frequency). This variant has not been reported in the literature in individuals with TAP2-related conditions. Algorithms developed to predict the effect of missense changes on protein structure and function are either unavailable or do not agree on the potential impact of this missense change (SIFT: "Tolerated"; PolyPhen-2: "Not Available"; Align-GVGD: "Class C0"). Algorithms developed to predict the effect of sequence changes on RNA splicing suggest that this variant may create or strengthen a splice site, but this prediction has not been confirmed by published transcriptional studies. In summary, the available evidence is currently insufficient to determine the role of this variant in disease. Therefore, it has been classified as a Variant of Uncertain Significance.